The following is an entry in ClinVar:

ClinVar aggregate classification (germline): Uncertain significance (1 of 4 stars; one submission).

Submission:

GeneDx
Classification: Uncertain significance. Last evaluated: 2024-08-15. Review status: criteria provided, single submitter. Criteria: GeneDx Variant Classification Process June 2021. Collection method: clinical testing. Allele origin: germline. Affected: yes.
Comment: Not observed at significant frequency in large population cohorts (gnomAD); In silico analysis supports that this missense variant has a deleterious effect on protein structure/function; Has not been previously published as pathogenic or benign to our knowledge

NM_001846.4(COL4A2):c.4728G>A (p.Met1576Ile)

Genes: COL4A2 (collagen type IV alpha 2 chain; plus strand), COL4A2-AS1 (COL4A2 antisense RNA 1; minus strand). Cytogenetic location: 13q34.
Variant type: single nucleotide variant.
Coding change: c.4728G>A on transcript NM_001846.4 (MANE Select); coding-DNA position 4728, G replaced by A.
Protein change: p.Met1576Ile; replaces methionine 1576 with isoleucine.
Molecular consequence: missense variant.
Genome position (GRCh38, 1-based): chr13:110,508,068, G>A. VCF-style: chr13-110508068-G-A. GRCh37 (hg19) VCF-style: chr13-111160415-G-A.
Other names: short protein forms M1576I.
Identifiers: ClinVar variation 3731224 (VCV003731224.1).